The following is an entry in ClinVar:

NM_033026.6(PCLO):c.991C>T (p.Pro331Ser)

Gene: PCLO (piccolo presynaptic cytomatrix protein; minus strand). Cytogenetic location: 7q21.11.
Variant type: single nucleotide variant.
Coding change: c.991C>T on transcript NM_033026.6 (MANE Select); coding-DNA position 991, C replaced by T.
Protein change: p.Pro331Ser; replaces proline 331 with serine.
Molecular consequence: missense variant.
Genome position (GRCh38, 1-based): chr7:83,155,650, G>A on the plus strand (C>T on the coding strand, the complement: PCLO is on the minus strand). VCF-style: chr7-83155650-G-A. GRCh37 (hg19) VCF-style: chr7-82784966-G-A.
Other names: c.991C>T, p.Pro331Ser (NM_014510.3); short protein forms P331S.
Identifiers: ClinVar variation 1436170 (VCV001436170.6), dbSNP rs763256903, ClinGen allele CA4321562.
Genomic context (GRCh38, chr7:83,155,650, plus strand): 5'-GTTTCACTGTCCCTGGTTGTTGAGCCAATGGCTTTGTTAGCCCTGAGGGCTGAGCTGGGG[G>A]CTTTGCAGGCCCAGGCTGTGATTTTTCATGTCCAGGCTGCTGTGCTGGAGGTTTTCCAGG-3'
Protein context (NP_149015.2, residues 321-341): HEKSQPGPAK[Pro331Ser]PAQPSGLTKP

ClinVar aggregate classification (germline): Uncertain significance (1 of 4 stars; one submission).

Allele frequency attached by ClinVar (database versions not stated): ExAC 0.00002; gnomAD exomes 0.00002 and 0.00006; gnomAD 0.00003; TOPMed 0.00003.
gnomAD v4.1: 93 of 1,613,552 alleles (0.0058%); highest among the groups gnomAD compares: Non-Finnish European, 0.0077%; no homozygotes.

Submission:

Labcorp Genetics (formerly Invitae), Labcorp
Classification: Uncertain significance. Last evaluated: 2025-03-31. Review status: criteria provided, single submitter. Criteria: Invitae Variant Classification Sherloc (09022015). Collection method: clinical testing. Allele origin: germline.
Comment: This sequence change replaces proline, which is neutral and non-polar, with serine, which is neutral and polar, at codon 331 of the PCLO protein (p.Pro331Ser). This variant is present in population databases (rs763256903, gnomAD 0.004%). This variant has not been reported in the literature in individuals affected with PCLO-related conditions. ClinVar contains an entry for this variant (Variation ID: 1436170). An algorithm developed to predict the effect of missense changes on protein structure and function outputs the following: PolyPhen-2: "Not Available". The serine amino acid residue is found in multiple mammalian species, which suggests that this missense change does not adversely affect protein function. In summary, the available evidence is currently insufficient to determine the role of this variant in disease. Therefore, it has been classified as a Variant of Uncertain Significance.